The following is an entry in ClinVar:

ClinVar aggregate classification (germline): Uncertain significance (0 of 4 stars; one submission).

Conditions:
COL5A1-related disorder. Also called: COL5A1-related condition.

Submission:

PreventionGenetics, part of Exact Sciences
Classification: Uncertain significance for COL5A1-related condition. Last evaluated: 2024-08-14. Review status: no assertion criteria provided. Collection method: clinical testing. Allele origin: germline.
Comment: The COL5A1 c.2101A>G variant is predicted to result in the amino acid substitution p.Met701Val. To our knowledge, this variant has not been reported in the literature or in a large population database, indicating this variant is rare. At this time, the clinical significance of this variant is uncertain due to the absence of conclusive functional and genetic evidence.

NM_000093.5(COL5A1):c.2101A>G (p.Met701Val)

Gene: COL5A1 (collagen type V alpha 1 chain; plus strand). Cytogenetic location: 9q34.3.
Variant type: single nucleotide variant.
Coding change: c.2101A>G on transcript NM_000093.5 (MANE Select); coding-DNA position 2101, A replaced by G.
Protein change: p.Met701Val; replaces methionine 701 with valine.
Molecular consequence: missense variant.
Genome position (GRCh38, 1-based): chr9:134,766,466, A>G. VCF-style: chr9-134766466-A-G. GRCh37 (hg19) VCF-style: chr9-137658312-A-G.
Other names: c.2101A>G, p.Met701Val (NM_001278074.1); short protein forms M701V.
Identifiers: ClinVar variation 3344333 (VCV003344333.1).
Genomic context (GRCh38, chr9:134,766,466, plus strand): 5'-GTTCTTTCGCATTCAGTTACATGTTTTTCTTCTTAAAATCGTACACAGGGTGTCACGGGT[A>G]TGGACGGCCAGCCGGGGCCAAAAGGAAATGTGGTAAGTCCCTGGGGTCCCGTGGCCTGGC-3'
Protein context (NP_000084.3, residues 691-711): GPPGPPGVTG[Met701Val]DGQPGPKGNV